The following is an entry in ClinVar:

NM_004444.5(EPHB4):c.182G>C (p.Cys61Ser)

Gene: EPHB4 (EPH receptor B4; minus strand). Cytogenetic location: 7q22.1.
Variant type: single nucleotide variant.
Coding change: c.182G>C on transcript NM_004444.5 (MANE Select); coding-DNA position 182, G replaced by C.
Protein change: p.Cys61Ser; replaces cysteine 61 with serine.
Molecular consequence: missense variant.
Genome position (GRCh38, 1-based): chr7:100,823,873, C>G on the plus strand (G>C on the coding strand, the complement: EPHB4 is on the minus strand). VCF-style: chr7-100823873-C-G. GRCh37 (hg19) VCF-style: chr7-100421495-C-G.
Other names: c.182G>C (NM_004444.4); short protein forms C61S.
Identifiers: ClinVar variation 3660783 (VCV003660783.3).

ClinVar aggregate classification (germline): Uncertain significance. Review status: criteria provided, multiple submitters, no conflicts (2 of 4 stars). 2 submissions from 2 submitters: Uncertain significance (2). Last evaluated 2024-09-10.

Submissions (2):

GeneDx
Classification: Uncertain significance. Last evaluated: 2024-09-10. Review status: criteria provided, single submitter. Criteria: GeneDx Variant Classification Process June 2021. Collection method: clinical testing. Allele origin: germline. Affected: yes.
Comment: Not observed at significant frequency in large population cohorts (gnomAD); In silico analysis supports that this missense variant has a deleterious effect on protein structure/function; Has not been previously published as pathogenic or benign to our knowledge

Labcorp Genetics (formerly Invitae), Labcorp
Classification: Uncertain significance. Last evaluated: 2024-07-30. Review status: criteria provided, single submitter. Criteria: Invitae Variant Classification Sherloc (09022015). Collection method: clinical testing. Allele origin: germline.
Comment: This sequence change replaces cysteine, which is neutral and slightly polar, with serine, which is neutral and polar, at codon 61 of the EPHB4 protein (p.Cys61Ser). This variant is not present in population databases (gnomAD no frequency). This variant has not been reported in the literature in individuals affected with EPHB4-related conditions. Advanced modeling of protein sequence and biophysical properties (such as structural, functional, and spatial information, amino acid conservation, physicochemical variation, residue mobility, and thermodynamic stability) performed at Invitae indicates that this missense variant is expected to disrupt EPHB4 protein function with a positive predictive value of 80%. In summary, the available evidence is currently insufficient to determine the role of this variant in disease. Therefore, it has been classified as a Variant of Uncertain Significance.